The following is an entry in ClinVar:

NM_005921.2(MAP3K1):c.86G>A (p.Gly29Glu)

Genes: MAP3K1 (mitogen-activated protein kinase kinase kinase 1; plus strand), LOC129993918 (ATAC-STARR-seq lymphoblastoid silent region 16021; plus strand). Cytogenetic location: 5q11.2.
Variant type: single nucleotide variant.
Coding change: c.86G>A on transcript NM_005921.2 (MANE Select); coding-DNA position 86, G replaced by A.
Protein change: p.Gly29Glu; replaces glycine 29 with glutamic acid.
Molecular consequence: missense variant.
Genome position (GRCh38, 1-based): chr5:56,815,659, G>A. VCF-style: chr5-56815659-G-A. GRCh37 (hg19) VCF-style: chr5-56111486-G-A.
Other names: short protein forms G29E.
Identifiers: ClinVar variation 645040 (VCV000645040.10), dbSNP rs1581198964, ClinGen allele CA359801146.

ClinVar aggregate classification (germline): Uncertain significance. Review status: criteria provided, multiple submitters, no conflicts (2 of 4 stars). 2 submissions from 2 submitters: Uncertain significance (2). Last evaluated 2025-08-08.

Conditions:
46,XY sex reversal 6. Also called: 46,XY SEX REVERSAL, PARTIAL OR COMPLETE, MAP3K1-RELATED; 46,XY GONADAL DYSGENESIS, PARTIAL OR COMPLETE, MAP3K1-RELATED. Identifiers: MedGen C3151064, MONDO:0013410, OMIM 613762.
Inborn genetic diseases. Identifiers: MedGen C0950123, MeSH D030342.

Allele frequency attached by ClinVar (database versions not stated): TOPMed below 0.00001; gnomAD exomes 0.00003.

Submissions (2):

Ambry Genetics
Classification: Uncertain significance for Inborn genetic diseases. Last evaluated: 2025-08-08. Review status: criteria provided, single submitter. Criteria: Ambry Variant Classification Scheme 2023. Collection method: clinical testing. Allele origin: germline.

Labcorp Genetics (formerly Invitae), Labcorp
Classification: Uncertain significance for 46,XY sex reversal 6. Last evaluated: 2018-11-08. Review status: criteria provided, single submitter. Criteria: Invitae Variant Classification Sherloc (09022015). Collection method: clinical testing. Allele origin: germline.
Comment: In summary, the available evidence is currently insufficient to determine the role of this variant in disease. Therefore, it has been classified as a Variant of Uncertain Significance. Algorithms developed to predict the effect of missense changes on protein structure and function are either unavailable or do not agree on the potential impact of this missense change (SIFT: "Deleterious"; PolyPhen-2: "Probably Damaging"; Align-GVGD: "Class C0"). This variant has not been reported in the literature in individuals with MAP3K1-related disease. The frequency data for this variant in the population databases is considered unreliable, as metrics indicate insufficient coverage at this position in the ExAC database. This sequence change replaces glycine with glutamic acid at codon 29 of the MAP3K1 protein (p.Gly29Glu). The glycine residue is moderately conserved and there is a moderate physicochemical difference between glycine and glutamic acid.